The following is an entry in ClinVar:

NM_000038.6(APC):c.8221G>C (p.Gly2741Arg)

Gene: APC (APC regulator of Wnt signaling pathway; plus strand). Cytogenetic location: 5q22.2.
Variant type: single nucleotide variant.
Coding change: c.8221G>C on transcript NM_000038.6 (MANE Select); coding-DNA position 8221, G replaced by C.
Protein change: p.Gly2741Arg; replaces glycine 2741 with arginine.
Molecular consequence: missense variant.
Genome position (GRCh38, 1-based): chr5:112,843,815, G>C. VCF-style: chr5-112843815-G-C. GRCh37 (hg19) VCF-style: chr5-112179512-G-C.
Other names: c.8221G>C, p.Gly2741Arg (NM_001127510.3, NM_001354895.2); c.8167G>C, p.Gly2723Arg (NM_001127511.3); c.8275G>C, p.Gly2759Arg (NM_001354896.2); c.8251G>C, p.Gly2751Arg (NM_001354897.2); c.8146G>C, p.Gly2716Arg (NM_001354898.2); c.8137G>C, p.Gly2713Arg (NM_001354899.2); c.8098G>C, p.Gly2700Arg (NM_001354900.2); c.8044G>C, p.Gly2682Arg (NM_001354901.2); and 5 more; short protein forms G2723R, G2741R, G2581R, G2650R, G2682R, G2713R, G2458R, G2640R.
Identifiers: ClinVar variation 482383 (VCV000482383.13), dbSNP rs1554088985, ClinGen allele CA16039177.
Genomic context (GRCh38, chr5:112,843,815, plus strand): 5'-CGCCTGAACTCCTTTATTCAGGTGGATGCCCCTGACCAAAAAGGAACTGAGATAAAACCA[G>C]GACAAAATAATCCTGTCCCTGTATCAGAGACTAATGAAAGTTCTATAGTGGAACGTACCC-3'
Protein context (NP_000029.2, residues 2731-2751): PDQKGTEIKP[Gly2741Arg]QNNPVPVSET

ClinVar aggregate classification (germline): Uncertain significance. Review status: criteria provided, multiple submitters, no conflicts (2 of 4 stars). 2 submissions from 2 submitters: Uncertain significance (2). Last evaluated 2022-03-06.

Conditions:
Hereditary cancer-predisposing syndrome. Also called: Neoplastic Syndromes, Hereditary; Tumor predisposition; Hereditary Cancer Syndrome; Hereditary neoplastic syndrome. Identifiers: Orphanet 140162, MedGen C0027672, MeSH D009386, MONDO:0015356.
Familial adenomatous polyposis 1 (FAP1). Also called: FAMILIAL ADENOMATOUS POLYPOSIS 1, ATTENUATED; POLYPOSIS, ADENOMATOUS INTESTINAL. Identifiers: MedGen C2713442, MONDO:0021056, OMIM 175100. Disease mechanism: loss of function.

Submissions (2):

Labcorp Genetics (formerly Invitae), Labcorp
Classification: Uncertain significance for Familial adenomatous polyposis 1. Last evaluated: 2022-03-06. Review status: criteria provided, single submitter. Criteria: Invitae Variant Classification Sherloc (09022015). Collection method: clinical testing. Allele origin: germline.
Comment: This sequence change replaces glycine, which is neutral and non-polar, with arginine, which is basic and polar, at codon 2741 of the APC protein (p.Gly2741Arg). This variant is not present in population databases (gnomAD no frequency). This variant has not been reported in the literature in individuals affected with APC-related conditions. ClinVar contains an entry for this variant (Variation ID: 482383). Algorithms developed to predict the effect of missense changes on protein structure and function are either unavailable or do not agree on the potential impact of this missense change (SIFT: "Tolerated"; PolyPhen-2: "Possibly Damaging"; Align-GVGD: "Class C0"). In summary, the available evidence is currently insufficient to determine the role of this variant in disease. Therefore, it has been classified as a Variant of Uncertain Significance.

Ambry Genetics
Classification: Uncertain significance for Hereditary cancer-predisposing syndrome. Last evaluated: 2016-07-14. Review status: criteria provided, single submitter. Criteria: Ambry Variant Classification Scheme 2023. Collection method: clinical testing. Allele origin: germline.
Comment: The p.G2741R variant (also known as c.8221G>C), located in coding exon 15 of the APC gene, results from a G to C substitution at nucleotide position 8221. The glycine at codon 2741 is replaced by arginine, an amino acid with dissimilar properties. This variant was not reported in population based cohorts in the following databases: Database of Single Nucleotide Polymorphisms (dbSNP), NHLBI Exome Sequencing Project (ESP), and 1000 Genomes Project. In the ESP, this variant was not observed in 6502 samples (13004 alleles) with coverage at this position. To date, this alteration has been detected with an allele frequency of approximately 0.001% (greater than 90000 alleles tested) in our clinical cohort. This amino acid position is highly conserved through mammals but not in all available vertebrate species. In addition, in silico predictors for this gene do not accurately predict pathogenicity. Since supporting evidence is limited at this time, the clinical significance of this alteration remains unclear.